The following is an entry in ClinVar:

ClinVar aggregate classification (germline): Uncertain significance (1 of 4 stars; one submission).

gnomAD v4.1: 109 of 1,546,084 alleles (0.0071%); highest among the groups gnomAD compares: African/African-American, 0.027%; no homozygotes.

Submission:

Labcorp Genetics (formerly Invitae), Labcorp
Classification: Uncertain significance. Last evaluated: 2025-10-15. Review status: criteria provided, single submitter. Criteria: Invitae Variant Classification Sherloc (09022015). Collection method: clinical testing. Allele origin: germline.
Comment: This sequence change replaces glycine, which is neutral and non-polar, with arginine, which is basic and polar, at codon 377 of the TBX6 protein (p.Gly377Arg). This variant is present in population databases (rs373040194, gnomAD 0.04%). This missense change has been observed in individual(s) with congenital scoliosis (PMID: 31015262, 31471994). Invitae Evidence Modeling of protein sequence and biophysical properties (such as structural, functional, and spatial information, amino acid conservation, physicochemical variation, residue mobility, and thermodynamic stability) indicates that this missense variant is not expected to disrupt TBX6 protein function with a negative predictive value of 80%. Experimental studies have shown that this missense change affects TBX6 function (PMID: 31015262). In summary, the available evidence is currently insufficient to determine the role of this variant in disease. Therefore, it has been classified as a Variant of Uncertain Significance.

Literature cited by the submitters: PubMed 31015262; PubMed 31471994.

NM_004608.4(TBX6):c.1129G>A (p.Gly377Arg)

Gene: TBX6 (T-box transcription factor 6; minus strand). Cytogenetic location: 16p11.2.
Variant type: single nucleotide variant.
Coding change: c.1129G>A on transcript NM_004608.4 (MANE Select); coding-DNA position 1129, G replaced by A.
Protein change: p.Gly377Arg; replaces glycine 377 with arginine.
Molecular consequence: missense variant.
Genome position (GRCh38, 1-based): chr16:30,086,407, C>T on the plus strand (G>A on the coding strand, the complement: TBX6 is on the minus strand). VCF-style: chr16-30086407-C-T. GRCh37 (hg19) VCF-style: chr16-30097728-C-T.
Other names: short protein forms G377R.
Identifiers: ClinVar variation 4799805 (VCV004799805.1).